The following is an entry in ClinVar:

NM_002239.4(KCNJ3):c.685C>G (p.Arg229Gly)

Gene: KCNJ3 (potassium inwardly rectifying channel subfamily J member 3; plus strand). Cytogenetic location: 2q24.1.
Variant type: single nucleotide variant.
Coding change: c.685C>G on transcript NM_002239.4 (MANE Select); coding-DNA position 685, C replaced by G.
Protein change: p.Arg229Gly; replaces arginine 229 with glycine.
Molecular consequence: missense variant.
Genome position (GRCh38, 1-based): chr2:154,699,460, C>G. VCF-style: chr2-154699460-C-G. GRCh37 (hg19) VCF-style: chr2-155555972-C-G.
Other names: c.685C>G, p.Arg229Gly (NM_001260508.2, NM_001260509.2, NM_001260510.2); short protein forms R229G.
Identifiers: ClinVar variation 3239269 (VCV003239269.19), dbSNP rs2468863624.

ClinVar aggregate classification (germline): Uncertain significance (1 of 4 stars; one submission).

Submission:

CeGaT Center for Human Genetics Tuebingen
Classification: Uncertain significance. Last evaluated: 2024-05-01. Review status: criteria provided, single submitter. Criteria: CeGaT Center For Human Genetics Tuebingen Variant Classification Criteria Version 2. Collection method: clinical testing. Allele origin: germline. Affected: yes. Observed: 2 variant alleles.
Comment: KCNJ3: PM2, PP2, PP3